The following is an entry in ClinVar:

NM_006231.4(POLE):c.1885dup (p.Ala629fs)

Gene: POLE (DNA polymerase epsilon, catalytic subunit; minus strand). Cytogenetic location: 12q24.33.
Variant type: Duplication.
Coding change: c.1885dup on transcript NM_006231.4 (MANE Select); coding-DNA position 1885, one base duplicated (G; older notation c.1885dupG).
Protein change: p.Ala629fs; shifts the reading frame from alanine 629.
Molecular consequence: frameshift variant.
Genome position (GRCh38, 1-based): chr12:132,668,849, C duplicated on the plus strand (G on the coding strand, the reverse complement: POLE is on the minus strand); the first of 5 consecutive C bases (chr12:132,668,849-132,668,853); duplicating any one gives the same sequence. VCF-style (leftmost placement, unchanged base first): chr12-132668848-G-GC. GRCh37 (hg19) VCF-style: chr12-133245434-G-GC.
Other names: short protein forms A629fs.
Identifiers: ClinVar variation 4828102 (VCV004828102.1).

ClinVar aggregate classification (germline): Uncertain significance (1 of 4 stars; one submission).

Conditions:
Hereditary cancer-predisposing syndrome. Also called: Neoplastic Syndromes, Hereditary; Tumor predisposition; Hereditary Cancer Syndrome; Hereditary neoplastic syndrome. Identifiers: Orphanet 140162, MedGen C0027672, MeSH D009386, MONDO:0015356.

Submission:

Ambry Genetics
Classification: Uncertain significance for Hereditary cancer-predisposing syndrome. Last evaluated: 2026-01-27. Review status: criteria provided, single submitter. Criteria: Ambry Variant Classification Scheme 2023. Collection method: clinical testing. Allele origin: germline.
Comment: The c.1885dupG variant, located in coding exon 17 of the POLE gene, results from a duplication of G at nucleotide position 1885, causing a translational frameshift with a predicted alternate stop codon (p.A629Gfs*27). This alteration is expected to result in loss of function by premature protein truncation or nonsense-mediated mRNA decay. Although biallelic loss of function of POLE has been associated with autosomal recessive POLE deficiency, haploinsufficiency of POLE has not been established as a mechanism of disease for POLE-related polymerase proofreading-associated polyposis (PPAP) and POLE-related CMMRD-like syndrome. Based on the supporting evidence, this variant is expected to be causative of POLE deficiency when present along with a second pathogenic variant on the other allele; however, its clinical significance for PPAP and POLE-related CMMRD-like syndrome is unclear.